The following is an entry in ClinVar:

NM_001366521.1(ATP2B1):c.2578C>T (p.Leu860Phe)

Gene: ATP2B1 (ATPase plasma membrane Ca2+ transporting 1; minus strand). Cytogenetic location: 12q21.33.
Variant type: single nucleotide variant.
Coding change: c.2578C>T on transcript NM_001366521.1 (MANE Select); coding-DNA position 2578, C replaced by T.
Protein change: p.Leu860Phe; replaces leucine 860 with phenylalanine.
Molecular consequence: missense variant. On other transcripts: non-coding transcript variant (3).
Genome position (GRCh38, 1-based): chr12:89,604,211, G>A on the plus strand (C>T on the coding strand, the complement: ATP2B1 is on the minus strand). VCF-style: chr12-89604211-G-A. GRCh37 (hg19) VCF-style: chr12-89997988-G-A.
Other names: c.2578C>T, p.Leu860Phe (NM_001001323.2, NM_001366520.1, NM_001366522.1 and 12 more transcripts); c.2380C>T, p.Leu794Phe (NM_001366530.1, NM_001413053.1); c.2017C>T, p.Leu673Phe (NM_001366531.1, NM_001366532.1, NM_001413058.1 and 2 more transcripts); c.2539C>T, p.Leu847Phe (NM_001413048.1); c.2437C>T, p.Leu813Phe (NM_001413051.1, NM_001413052.1, NM_001413055.1); c.2335C>T, p.Leu779Phe (NM_001413054.1); c.2323C>T, p.Leu775Phe (NM_001413056.1); c.2125C>T, p.Leu709Phe (NM_001413057.1); short protein forms L673F, L709F, L775F, L779F, L794F, L813F, L847F, L860F.
Identifiers: ClinVar variation 3346536 (VCV003346536.1).

ClinVar aggregate classification (germline): Uncertain significance (0 of 4 stars; one submission).

Conditions:
ATP2B1-related disorder. Also called: ATP2B1-related condition.

Submission:

PreventionGenetics, part of Exact Sciences
Classification: Uncertain significance for ATP2B1-related condition. Last evaluated: 2024-05-07. Review status: no assertion criteria provided. Collection method: clinical testing. Allele origin: germline.
Comment: The ATP2B1 c.2578C>T variant is predicted to result in the amino acid substitution p.Leu860Phe. To our knowledge, this variant has not been reported in the literature or in a large population database, indicating this variant is rare. At this time, the clinical significance of this variant is uncertain due to the absence of conclusive functional and genetic evidence.